The following is an entry in ClinVar:

ClinVar aggregate classification (germline): Uncertain significance (1 of 4 stars; one submission).

Conditions:
Cardiovascular phenotype. Identifiers: MedGen CN230736.

Submission:

Ambry Genetics
Classification: Uncertain significance for Cardiovascular phenotype. Last evaluated: 2024-10-08. Review status: criteria provided, single submitter. Criteria: Ambry Variant Classification Scheme 2023. Collection method: clinical testing. Allele origin: germline.
Comment: The p.P1322S variant (also known as c.3964C>T), located in coding exon 22 of the SCN10A gene, results from a C to T substitution at nucleotide position 3964. The proline at codon 1322 is replaced by serine, an amino acid with similar properties. This amino acid position is conserved. In addition, this alteration is predicted to be tolerated by in silico analysis. Since supporting evidence is limited at this time, the clinical significance of this alteration remains unclear.

NM_006514.4(SCN10A):c.3964C>T (p.Pro1322Ser)

Gene: SCN10A (sodium voltage-gated channel alpha subunit 10; minus strand). Cytogenetic location: 3p22.2.
Variant type: single nucleotide variant.
Coding change: c.3964C>T on transcript NM_006514.4 (MANE Select); coding-DNA position 3964, C replaced by T.
Protein change: p.Pro1322Ser; replaces proline 1322 with serine.
Molecular consequence: missense variant.
Genome position (GRCh38, 1-based): chr3:38,712,286, G>A on the plus strand (C>T on the coding strand, the complement: SCN10A is on the minus strand). VCF-style: chr3-38712286-G-A. GRCh37 (hg19) VCF-style: chr3-38753777-G-A.
Other names: c.3961C>T, p.Pro1321Ser (NM_001293306.2); c.3670C>T, p.Pro1224Ser (NM_001293307.2); short protein forms P1224S, P1322S, P1321S.
Identifiers: ClinVar variation 1736544 (VCV001736544.3), dbSNP rs780172964, ClinGen allele CA72950474.
Genomic context (GRCh38, chr3:38,712,286, plus strand): 5'-AGAAGCTGCCAGTGGAGTTTTGAATCTTGCAGTCAGACTTGTTATTCACAATCGACAAAG[G>A]TACAAGGGAAAACTCTCCATCGGTATAGTTGATGCACCTCCAAAACTTCCCTGCGAAGAG-3'
Protein context (NP_006505.4, residues 1312-1332): NYTDGEFSLV[Pro1322Ser]LSIVNNKSDC